The following is an entry in ClinVar:

ClinVar aggregate classification (germline): Conflicting classifications of pathogenicity. Review status: criteria provided, conflicting classifications (1 of 4 stars). 5 submissions from 5 submitters: Uncertain significance (4); Likely benign (1). Last evaluated 2025-11-07.

Conditions:
Cardiovascular phenotype. Identifiers: MedGen CN230736.
Spinocerebellar ataxia type 19/22 (SCA19). Also called: SPINOCEREBELLAR ATAXIA 19; SPINOCEREBELLAR ATAXIA 22. Identifiers: Orphanet 98772, MedGen C1846367, MONDO:0011819, OMIM 607346.
Brugada syndrome 9 (BRGDA9). Identifiers: Orphanet 130, MedGen C4225340, MONDO:0014621, OMIM 616399.

Allele frequency attached by ClinVar (database versions not stated): gnomAD exomes 0.00003; ExAC 0.00004; gnomAD 0.00005 and 0.00006; TOPMed 0.00005.
gnomAD v4.1: 60 of 1,614,008 alleles (0.0037%); highest among the groups gnomAD compares: Admixed American, 0.01%; no homozygotes.

Submissions (5):

Labcorp Genetics (formerly Invitae), Labcorp
Classification: Likely benign for Spinocerebellar ataxia type 19/22. Last evaluated: 2025-11-07. Review status: criteria provided, single submitter. Criteria: Invitae Variant Classification Sherloc (09022015). Collection method: clinical testing. Allele origin: germline.

Ambry Genetics
Classification: Uncertain significance for Cardiovascular phenotype. Last evaluated: 2025-04-20. Review status: criteria provided, single submitter. Criteria: Ambry Variant Classification Scheme 2023. Collection method: clinical testing. Allele origin: germline.

Women's Health and Genetics/Laboratory Corporation of America, LabCorp
Classification: Uncertain significance. Last evaluated: 2024-08-22. Review status: criteria provided, single submitter. Criteria: LabCorp Variant Classification Summary - May 2015. Collection method: clinical testing. Allele origin: germline.
Comment: Variant summary: KCND3 c.1889G>A (p.Arg630Gln) results in a conservative amino acid change in the encoded protein sequence. Three of five in-silico tools predict a benign effect of the variant on protein function. The variant allele was found at a frequency of 3.2e-05 in 251314 control chromosomes. The available data on variant occurrences in the general population are insufficient to allow any conclusion about variant significance. To our knowledge, no occurrence of c.1889G>A in individuals affected with Spinocerebellar Ataxia Type 19/22 and no experimental evidence demonstrating its impact on protein function have been reported. ClinVar contains an entry for this variant (Variation ID: 934670). Based on the evidence outlined above, the variant was classified as uncertain significance.

GeneDx
Classification: Uncertain significance. Last evaluated: 2022-08-31. Review status: criteria provided, single submitter. Criteria: GeneDx Variant Classification Process June 2021. Collection method: clinical testing. Allele origin: germline. Affected: yes.
Comment: In silico analysis supports that this missense variant does not alter protein structure/function; Has not been previously published as pathogenic or benign to our knowledge

Fulgent Genetics
Classification: Uncertain significance for Spinocerebellar ataxia type 19/22; Brugada syndrome 9. Last evaluated: 2021-11-15. Review status: criteria provided, single submitter. Criteria: ACMG Guidelines, 2015. Collection method: clinical testing. Allele origin: unknown.

NM_001378969.1(KCND3):c.1889G>A (p.Arg630Gln)

Gene: KCND3 (potassium voltage-gated channel subfamily D member 3; minus strand). Cytogenetic location: 1p13.2.
Variant type: single nucleotide variant.
Coding change: c.1889G>A on transcript NM_001378969.1 (MANE Select); coding-DNA position 1889, G replaced by A.
Protein change: p.Arg630Gln; replaces arginine 630 with glutamine.
Molecular consequence: missense variant.
Genome position (GRCh38, 1-based): chr1:111,776,156, C>T on the plus strand (G>A on the coding strand, the complement: KCND3 is on the minus strand). VCF-style: chr1-111776156-C-T. GRCh37 (hg19) VCF-style: chr1-112318778-C-T.
Other names: c.1832G>A, p.Arg611Gln (NM_001378970.1, NM_172198.3); c.1889G>A, p.Arg630Gln (NM_004980.5); short protein forms R611Q, R630Q.
Identifiers: ClinVar variation 934670 (VCV000934670.16), dbSNP rs774713377, ClinGen allele CA1007323.